The following is an entry in ClinVar:

ClinVar aggregate classification (germline): Uncertain significance (1 of 4 stars; one submission).

Submission:

GeneDx
Classification: Uncertain significance. Last evaluated: 2025-07-31. Review status: criteria provided, single submitter. Criteria: GeneDx Variant Classification Process June 2021. Collection method: clinical testing. Allele origin: germline. Affected: yes.
Comment: Not observed at significant frequency in large population cohorts (gnomAD); In silico analysis supports that this missense variant has a deleterious effect on protein structure/function; Has not been previously published as pathogenic or benign to our knowledge; Not located in one of the three hot-spot regions of the RYR2 gene, where the majority of pathogenic missense variants occur (PMID: 19926015); This variant is associated with the following publications: (PMID: 19926015)

NM_001035.3(RYR2):c.11021C>T (p.Thr3674Ile)

Gene: RYR2 (ryanodine receptor 2; plus strand). Cytogenetic location: 1q43.
Variant type: single nucleotide variant.
Coding change: c.11021C>T on transcript NM_001035.3 (MANE Select); coding-DNA position 11021, C replaced by T.
Protein change: p.Thr3674Ile; replaces threonine 3674 with isoleucine.
Molecular consequence: missense variant.
Genome position (GRCh38, 1-based): chr1:237,732,131, C>T. VCF-style: chr1-237732131-C-T. GRCh37 (hg19) VCF-style: chr1-237895431-C-T.
Other names: short protein forms T3674I.
Identifiers: ClinVar variation 4690121 (VCV004690121.1).